The following is an entry in ClinVar:

ClinVar aggregate classification (germline): Uncertain significance (1 of 4 stars; one submission).

Allele frequency attached by ClinVar (database versions not stated): gnomAD exomes below 0.00001; TOPMed below 0.00001; gnomAD 0.00001.

Submission:

Labcorp Genetics (formerly Invitae), Labcorp
Classification: Uncertain significance. Last evaluated: 2022-10-24. Review status: criteria provided, single submitter. Criteria: Invitae Variant Classification Sherloc (09022015). Collection method: clinical testing. Allele origin: germline.
Comment: This sequence change replaces alanine, which is neutral and non-polar, with glycine, which is neutral and non-polar, at codon 272 of the POC5 protein (p.Ala272Gly). This variant is not present in population databases (gnomAD no frequency). This variant has not been reported in the literature in individuals affected with POC5-related conditions. Algorithms developed to predict the effect of missense changes on protein structure and function are either unavailable or do not agree on the potential impact of this missense change (SIFT: "Not Available"; PolyPhen-2: "Probably Damaging"; Align-GVGD: "Not Available"). In summary, the available evidence is currently insufficient to determine the role of this variant in disease. Therefore, it has been classified as a Variant of Uncertain Significance.

NM_001099271.2(POC5):c.815C>G (p.Ala272Gly)

Gene: POC5 (POC5 centriolar protein; minus strand). Cytogenetic location: 5q13.3.
Variant type: single nucleotide variant.
Coding change: c.815C>G on transcript NM_001099271.2 (MANE Select); coding-DNA position 815, C replaced by G.
Protein change: p.Ala272Gly; replaces alanine 272 with glycine.
Molecular consequence: missense variant.
Genome position (GRCh38, 1-based): chr5:75,690,543, G>C on the plus strand (C>G on the coding strand, the complement: POC5 is on the minus strand). VCF-style: chr5-75690543-G-C. GRCh37 (hg19) VCF-style: chr5-74986368-G-C.
Other names: c.740C>G, p.Ala247Gly (NM_152408.3); short protein forms A247G, A272G.
Identifiers: ClinVar variation 1715469 (VCV001715469.6), dbSNP rs1381773616, ClinGen allele CA360146714.